The following is an entry in ClinVar:

ClinVar aggregate classification (germline): Conflicting classifications of pathogenicity. Review status: criteria provided, conflicting classifications (1 of 4 stars). 6 submissions from 6 submitters: Uncertain significance (3); Likely benign (2). 1 of the submissions does not count toward it. Last evaluated 2026-01-16.

Conditions:
DNAH5-related disorder. Also called: DNAH5-related condition.
Primary ciliary dyskinesia. Also called: Ciliary dyskinesia. Identifiers: Orphanet 244, MedGen C0008780, MONDO:0016575, HP:0012265.
Primary ciliary dyskinesia 3. Identifiers: Orphanet 244, MedGen C1837618, MONDO:0012085, OMIM 608644.

Allele frequency attached by ClinVar (database versions not stated): 1000 Genomes Project 30x 0.00094; gnomAD 0.00006 and 0.00009; ESP Exome Variant Server 0.00008; gnomAD exomes 0.00008 and 0.00020; TOPMed 0.00010; ExAC 0.00027; 1000 Genomes Project 0.00080.
gnomAD v4.1: 137 of 1,613,704 alleles (0.0085%); highest among the groups gnomAD compares: South Asian, 0.096%; 1 homozygote.

Submissions (6):

Labcorp Genetics (formerly Invitae), Labcorp
Classification: Likely benign for Primary ciliary dyskinesia. Last evaluated: 2026-01-16. Review status: criteria provided, single submitter. Criteria: Invitae Variant Classification Sherloc (09022015). Collection method: clinical testing. Allele origin: germline.

PreventionGenetics, part of Exact Sciences
Classification: Likely benign for DNAH5-related condition. Last evaluated: 2025-07-25. Review status: criteria provided, single submitter. Criteria: ACMG Guidelines, 2015. Collection method: clinical testing. Allele origin: germline.
Comment: This variant is classified as likely benign based on ACMG/AMP sequence variant interpretation guidelines (Richards et al. 2015 PMID: 25741868, with internal and published modifications).

Blueprint Genetics
Classification: Uncertain significance. Last evaluated: 2024-08-28. Review status: criteria provided, single submitter. Criteria: ACMG Guidelines, 2015. Collection method: clinical testing. Allele origin: germline.

CeGaT Center for Human Genetics Tuebingen
Classification: Uncertain significance. Last evaluated: 2023-07-01. Review status: criteria provided, single submitter. Criteria: CeGaT Center For Human Genetics Tuebingen Variant Classification Criteria Version 2. Collection method: clinical testing. Allele origin: germline. Affected: yes. Observed: 1 variant allele.
Comment: DNAH5: PM2, BP4

Neuberg Centre For Genomic Medicine, NCGM
Classification: Uncertain significance for Primary ciliary dyskinesia 3. Review status: criteria provided, single submitter. Criteria: ACMG Guidelines, 2015. Collection method: clinical testing. Allele origin: germline. Inheritance: Autosomal recessive inheritance. Affected: yes.
Comment: The missense variant c.3656G>A in DNAH5 has been submitted to ClinVar as a Variant of Uncertain Significance, but no details are available for independent assessment. This variant has allele frequency of 0.02% in gnomAD database. The amino acid Arg at position 1219 is changed to a His changing protein sequence and it might alter its composition and physico-chemical properties. The amino acid change p.Arg1219His in DNAH5 is predicted as conserved by GERP++ and PhyloP across 100 vertebrates. For these reasons, this variant has been classified as Variant of Uncertain Significance (VUS).

Natera, Inc.
Classification: Uncertain significance for Primary ciliary dyskinesia. Last evaluated: 2019-10-28. Review status: no assertion criteria provided. Collection method: clinical testing. Allele origin: germline. Not counted in ClinVar's aggregate classification.

NM_001369.3(DNAH5):c.3656G>A (p.Arg1219His)

Genes: DNAH5 (dynein axonemal heavy chain 5; minus strand), DNAH5-AS1 (DNAH5 antisense RNA 1; plus strand). Cytogenetic location: 5p15.2.
Variant type: single nucleotide variant.
Coding change: c.3656G>A on transcript NM_001369.3 (MANE Select); coding-DNA position 3656, G replaced by A.
Protein change: p.Arg1219His; replaces arginine 1219 with histidine.
Molecular consequence: missense variant.
Genome position (GRCh38, 1-based): chr5:13,870,945, C>T on the plus strand (G>A on the coding strand, the complement: DNAH5 is on the minus strand). VCF-style: chr5-13870945-C-T. GRCh37 (hg19) VCF-style: chr5-13871054-C-T.
Other names: short protein forms R1219H.
Identifiers: ClinVar variation 454769 (VCV000454769.40), dbSNP rs73055857, ClinGen allele CA3204204.